The following is an entry in ClinVar:

ClinVar aggregate classification (germline): Uncertain significance (1 of 4 stars; one submission).

Submission:

GeneDx
Classification: Uncertain significance. Last evaluated: 2025-04-30. Review status: criteria provided, single submitter. Criteria: GeneDx Variant Classification Process June 2021. Collection method: clinical testing. Allele origin: germline. Affected: yes.
Comment: Not observed at significant frequency in large population cohorts (gnomAD); In silico analysis supports that this missense variant has a deleterious effect on protein structure/function; Has not been previously published as pathogenic or benign to our knowledge

NM_001321075.3(DLG4):c.542A>G (p.Gln181Arg)

Gene: DLG4 (discs large MAGUK scaffold protein 4; minus strand). Cytogenetic location: 17p13.1.
Variant type: single nucleotide variant.
Coding change: c.542A>G on transcript NM_001321075.3 (MANE Select); coding-DNA position 542, A replaced by G.
Protein change: p.Gln181Arg; replaces glutamine 181 with arginine.
Molecular consequence: missense variant. On other transcripts: non-coding transcript variant (1).
Genome position (GRCh38, 1-based): chr17:7,203,293, T>C on the plus strand (A>G on the coding strand, the complement: DLG4 is on the minus strand). VCF-style: chr17-7203293-T-C. GRCh37 (hg19) VCF-style: chr17-7106612-T-C.
Other names: c.533A>G, p.Gln178Arg (NM_001128827.4); c.662A>G, p.Gln221Arg (NM_001321074.1); c.362A>G, p.Gln121Arg (NM_001321076.3, NM_001321077.3); c.671A>G, p.Gln224Arg (NM_001365.5); c.461A>G, p.Gln154Arg (NM_001369566.3); short protein forms Q121R, Q154R, Q178R, Q181R, Q221R, Q224R.
Identifiers: ClinVar variation 4527881 (VCV004527881.1).
Genomic context (GRCh38, chr17:7,203,293, plus strand): 5'-TGGGCAGCACCCCCTTCGATGATCTTTGTTACATAGATGCTATTATCTCCTGGGATGTGC[T>C]GGTTCCCTACGCCCCCTGCGATGCTGAAGCCAAGACCTGGATGGAGGGGAGGCCAGAGGT-3'
Protein context (NP_001308004.1, residues 171-191): GFSIAGGVGN[Gln181Arg]HIPGDNSIYV